The following is an entry in ClinVar:

NM_013266.4(CTNNA3):c.2344T>C (p.Cys782Arg)

Gene: CTNNA3 (catenin alpha 3; minus strand). Cytogenetic location: 10q21.3.
Variant type: single nucleotide variant.
Coding change: c.2344T>C on transcript NM_013266.4 (MANE Select); coding-DNA position 2344, T replaced by C.
Protein change: p.Cys782Arg; replaces cysteine 782 with arginine.
Molecular consequence: missense variant.
Genome position (GRCh38, 1-based): chr10:65,966,668, A>G on the plus strand (T>C on the coding strand, the complement: CTNNA3 is on the minus strand). VCF-style: chr10-65966668-A-G. GRCh37 (hg19) VCF-style: chr10-67726426-A-G.
Other names: c.2344T>C, p.Cys782Arg (NM_001127384.3); short protein forms C782R.
Identifiers: ClinVar variation 2450205 (VCV002450205.2), dbSNP rs2077973637, ClinGen allele CA377089997.

ClinVar aggregate classification (germline): Uncertain significance (1 of 4 stars; one submission).

Allele frequency attached by ClinVar (database versions not stated): gnomAD 0.00001.
gnomAD v4.1: 1 of 1,613,890 alleles (0.000062%); highest among the groups gnomAD compares: African/African-American, 0.0013%; no homozygotes.

Submission:

Ambry Genetics
Classification: Uncertain significance. Last evaluated: 2023-02-16. Review status: criteria provided, single submitter. Criteria: Ambry Variant Classification Scheme 2023. Collection method: clinical testing. Allele origin: germline.
Comment: The p.C782R variant (also known as c.2344T>C), located in coding exon 16 of the CTNNA3 gene, results from a T to C substitution at nucleotide position 2344. The cysteine at codon 782 is replaced by arginine, an amino acid with highly dissimilar properties. This amino acid position is conserved. In addition, the in silico prediction for this alteration is inconclusive. Since supporting evidence is limited at this time, the clinical significance of this alteration remains unclear.